The following is an entry in ClinVar:

ClinVar aggregate classification (germline): Benign/Likely benign. Review status: criteria provided, multiple submitters, no conflicts (2 of 4 stars). 5 submissions from 5 submitters: Benign (1); Likely benign (3). 1 of the submissions does not count toward it. Last evaluated 2026-01-20.

Conditions:
LAMA2-related disorder. Also called: LAMA2-related condition; LAMA2-related disorders.
LAMA2-related muscular dystrophy (LAMA2-RD). Also called: Laminin alpha 2-related dystrophy. Identifiers: MedGen C5679788, MONDO:0100228.

Allele frequency attached by ClinVar (database versions not stated): gnomAD exomes 0.00023; ExAC 0.00026; 1000 Genomes Project 0.00040; 1000 Genomes Project 30x 0.00047; gnomAD 0.00088 and 0.00099; TOPMed 0.00095; ESP Exome Variant Server 0.00115.
gnomAD v4.1: 273 of 1,613,234 alleles (0.017%); highest among the groups gnomAD compares: African/African-American, 0.32%; 1 homozygote.

Submissions (5):

Labcorp Genetics (formerly Invitae), Labcorp
Classification: Benign for LAMA2-related muscular dystrophy. Last evaluated: 2026-01-20. Review status: criteria provided, single submitter. Criteria: Invitae Variant Classification Sherloc (09022015). Collection method: clinical testing. Allele origin: germline.

Blueprint Genetics
Classification: Likely benign. Last evaluated: 2024-11-13. Review status: criteria provided, single submitter. Criteria: ACMG Guidelines, 2015. Collection method: clinical testing. Allele origin: germline.

GeneDx
Classification: Likely benign. Last evaluated: 2020-08-26. Review status: criteria provided, single submitter. Criteria: GeneDx Variant Classification Process June 2021. Collection method: clinical testing. Allele origin: germline. Affected: yes.

Breakthrough Genomics
Classification: Likely benign. Review status: criteria provided, single submitter. Criteria: ACMG Guidelines, 2015. Collection method: not provided. Allele origin: germline. Inheritance: Autosomal recessive inheritance. Affected: yes.

PreventionGenetics, part of Exact Sciences
Classification: Likely benign for LAMA2-related condition. Last evaluated: 2022-12-13. Review status: no assertion criteria provided. Collection method: clinical testing. Allele origin: germline. Not counted in ClinVar's aggregate classification.
Comment: This variant is classified as likely benign based on ACMG/AMP sequence variant interpretation guidelines (Richards et al. 2015 PMID: 25741868, with internal and published modifications).

NM_000426.4(LAMA2):c.4349G>A (p.Arg1450Gln)

Gene: LAMA2 (laminin subunit alpha 2; plus strand). Cytogenetic location: 6q22.33.
Variant type: single nucleotide variant.
Coding change: c.4349G>A on transcript NM_000426.4 (MANE Select); coding-DNA position 4349, G replaced by A.
Protein change: p.Arg1450Gln; replaces arginine 1450 with glutamine.
Molecular consequence: missense variant.
Genome position (GRCh38, 1-based): chr6:129,342,380, G>A. VCF-style: chr6-129342380-G-A. GRCh37 (hg19) VCF-style: chr6-129663525-G-A.
Other names: c.4349G>A, p.Arg1450Gln (NM_001079823.2); short protein forms R1450Q.
Identifiers: ClinVar variation 426986 (VCV000426986.19), dbSNP rs148905630, ClinGen allele CA3993526.